The following is an entry in ClinVar:

ClinVar aggregate classification (germline): Pathogenic (1 of 4 stars; one submission).

Submission:

Quest Diagnostics Nichols Institute San Juan Capistrano
Classification: Pathogenic. Last evaluated: 2022-10-13. Review status: criteria provided, single submitter. Criteria: ACMG/ClinGen CNV Guidelines, 2019. Collection method: clinical testing. Allele origin: unknown.
Comment: The copy number loss of 16p13.3 involves multiple exons (NM_004380.3) of an intragenic portion of CREBBP (OMIM 600140). Haploinsufficiency of CREBBP is associated with Rubinstein-Taybi syndrome 1 (RSTS1; OMIM 180849, Stevens 2019, Cross 2020, Perez-Grijalba 2019). There are no similar copy number losses of this region in the general populations of the Database of Genomic Variants. Thus, the classification of this copy number variant (CNV) is pathogenic. References: Cross et al., Am J Med Genet A. 2020 Nov;182(11):2508-2520. PMID: 32827181 Perez-Grijalba et al., Mol Genet Genomic Med. 2019 Nov;7(11):e972. PMID: 31566936 Stevens et al., GeneReviews 2019 Aug. PMID: 20301699

GRCh37/hg19 16p13.3(chr16:3788869-3849208)x1

Gene: CREBBP (CREB binding protein; minus strand). Cytogenetic location: 16p13.3.
Variant type: copy number loss.
Change: copy number 1 (one copy instead of two) of chr16:3,788,869-3,849,208 (60.3 kb, GRCh37 coordinates, 1-based), cytogenetic band 16p13.3.
Identifiers: ClinVar variation 2685545 (VCV002685545.1).